The following is an entry in ClinVar:

NM_004268.5(MED17):c.1223C>A (p.Ser408Ter)

Gene: MED17 (mediator complex subunit 17; plus strand). Cytogenetic location: 11q21.
Variant type: single nucleotide variant.
Coding change: c.1223C>A on transcript NM_004268.5 (MANE Select); coding-DNA position 1223, C replaced by A.
Protein change: p.Ser408Ter; replaces serine 408 with a stop codon.
Molecular consequence: nonsense.
Genome position (GRCh38, 1-based): chr11:93,797,614, C>A. VCF-style: chr11-93797614-C-A. GRCh37 (hg19) VCF-style: chr11-93530780-C-A.
Other names: short protein forms S408*.
Identifiers: ClinVar variation 2001262 (VCV002001262.4), dbSNP rs140719424, ClinGen allele CA382358427.

ClinVar aggregate classification (germline): Pathogenic (1 of 4 stars; one submission).

Submission:

Labcorp Genetics (formerly Invitae), Labcorp
Classification: Pathogenic. Last evaluated: 2022-05-30. Review status: criteria provided, single submitter. Criteria: Invitae Variant Classification Sherloc (09022015). Collection method: clinical testing. Allele origin: germline.
Comment: This sequence change creates a premature translational stop signal (p.Ser408*) in the MED17 gene. It is expected to result in an absent or disrupted protein product. Loss-of-function variants in MED17 are known to be pathogenic (PMID: 20950787, 26004231, 30345598). This variant is not present in population databases (gnomAD no frequency). This variant has not been reported in the literature in individuals affected with MED17-related conditions. Algorithms developed to predict the effect of sequence changes on RNA splicing suggest that this variant may disrupt the consensus splice site. For these reasons, this variant has been classified as Pathogenic.

Literature cited by the submitters: PubMed 20950787; PubMed 26004231; PubMed 30345598.